The following is an entry in ClinVar:

NM_133433.4(NIPBL):c.4260del (p.Pro1421fs)

Gene: NIPBL (NIPBL cohesin loading factor; plus strand). Cytogenetic location: 5p13.2.
Variant type: Deletion.
Coding change: c.4260del on transcript NM_133433.4 (MANE Select); coding-DNA position 4260, one base deleted (A; older notation c.4260delA).
Protein change: p.Pro1421fs; shifts the reading frame from proline 1421.
Molecular consequence: frameshift variant.
Genome position (GRCh38, 1-based): chr5:37,008,028, A deleted. VCF-style (leftmost placement, unchanged base first): chr5-37008027-CA-C. GRCh37 (hg19) VCF-style: chr5-37008129-CA-C.
Other names: c.4260del, p.Pro1421fs (NM_015384.5); short protein forms P1421fs.
Identifiers: ClinVar variation 3899351 (VCV003899351.2).

ClinVar aggregate classification (germline): Pathogenic (1 of 4 stars; one submission).

Conditions:
Cornelia de Lange syndrome 1 (CDLS1). Also called: TYPUS DEGENERATIVUS AMSTELODAMENSIS; NIPBL-Related Cornelia de Lange Syndrome; Brachmann de Lange syndrome. Identifiers: Orphanet 199, MedGen C4551851, MONDO:0007387, OMIM 122470.

Submission:

Juno Genomics, Hangzhou Juno Genomics, Inc
Classification: Pathogenic for Cornelia de Lange syndrome 1. Review status: criteria provided, single submitter. Criteria: ACMG Guidelines, 2015. Collection method: clinical testing. Allele origin: germline. Affected: yes.
Comment: Absent from controls (or at extremely low frequency if recessive) in Genome Aggregation Database, Exome Sequencing Project, 1000 Genomes Project, or Exome Aggregation Consortium.;Null variant in a gene where loss of function (LOF) is a known mechanism of disease.;Patient's phenotype or family history is highly specific for a disease with a single genetic etiology.